The following is an entry in ClinVar:

ClinVar aggregate classification (germline): Uncertain significance (1 of 4 stars; one submission).

Conditions:
Supravalvar aortic stenosis (SVAS). Also called: Supravalvar aortic stenosis, Eisenberg type. Identifiers: Orphanet 3193, MedGen C0003499, MONDO:0008504, OMIM 185500, HP:0004381.
Cutis laxa, autosomal dominant 1 (ADCL1). Also called: ELN-Related Cutis Laxa. Identifiers: Orphanet 90348, MedGen C3276539, MONDO:0007411, OMIM 123700. Disease mechanism: Dominant Negative.

Submission:

Juno Genomics, Hangzhou Juno Genomics, Inc
Classification: Uncertain significance for Supravalvar aortic stenosis; Cutis laxa, autosomal dominant 1. Review status: criteria provided, single submitter. Criteria: ACMG Guidelines, 2015. Collection method: clinical testing. Allele origin: germline.
Comment: Absent from controls (or at extremely low frequency if recessive) in Genome Aggregation Database.;Protein length changes due to in-frame deletions/insertions in a non-repeat region or stop-loss variants.

NM_000501.4(ELN):c.1453_1471delinsT (p.Val485_Val491delinsLeu)

Genes: ELN (elastin; plus strand), ELN-AS1 (ELN antisense RNA 1; minus strand). Cytogenetic location: 7q11.23.
Variant type: Indel.
Coding change: c.1453_1471delinsT on transcript NM_000501.4 (MANE Select); coding-DNA positions 1453 to 1471, GTGGCTCCTGGTGTCGGTG replaced by T.
Protein change: p.Val485_Val491delinsLeu.
Molecular consequence: inframe indel. On other transcripts: non-coding transcript variant (1).
Genome position (GRCh38, 1-based): chr7:74,059,924-74,059,942, GTGGCTCCTGGTGTCGGTG replaced by T. VCF-style: chr7-74059924-GTGGCTCCTGGTGTCGGTG-T. GRCh37 (hg19) VCF-style: chr7-73474254-GTGGCTCCTGGTGTCGGTG-T.
Other names: c.1366_1384delinsT, p.Val456_Val462delinsLeu (NM_001081752.3); c.1411_1429delinsT, p.Val471_Val477delinsLeu (NM_001081753.3); c.1468_1486delinsT, p.Val490_Val496delinsLeu (NM_001081754.3); c.1396_1414delinsT, p.Val466_Val472delinsLeu (NM_001081755.3); c.1453_1471delinsT, p.Val485_Val491delinsLeu (NM_001278912.2); c.1210_1228delinsT, p.Val404_Val410delinsLeu (NM_001278913.2); c.1381_1399delinsT, p.Val461_Val467delinsLeu (NM_001278914.2); c.1471_1489delinsT, p.Val491_Val497delinsLeu (NM_001278915.2); and 4 more.
Identifiers: ClinVar variation 5018924 (VCV005018924.2).
Genomic context (GRCh38, chr7:74,059,924, plus strand): 5'-TCAGCTCTTCTCAATCTTGCAGGGTTAGTTCCTGGTGTCGGCGTGGCTCCTGGAGTTGGC[GTGGCTCCTGGTGTCGGTG>T]TGGCTCCTGGAGTTGGCTTGGCTCCTGGAGTTGGCGTGGCTCCTGGAGTTGGTGTGGCTC-3'